The following is an entry in ClinVar:

ClinVar aggregate classification (germline): Uncertain significance (1 of 4 stars; one submission).

Conditions:
Intellectual disability, autosomal dominant 34 (NEDHSF). Also called: NEURODEVELOPMENTAL DISORDER WITH HYPOTONIA, SPEECH DELAY, AND DYSMORPHIC FACIES; CERTRA SYNDROME; INTELLECTUAL DEVELOPMENTAL DISORDER, AUTOSOMAL DOMINANT 34; Ceramide Transporter Syndrome. Identifiers: MedGen C4225156, MONDO:0014599, OMIM 616351.

Submission:

HudsonAlpha Institute for Biotechnology
Classification: Uncertain significance for Intellectual disability, autosomal dominant 34. Last evaluated: 2021-07-29. Review status: criteria provided, single submitter. Criteria: ACMG Guidelines, 2015. Collection method: research. Allele origin: de novo. Observed: 1 variant allele. Study: CSER-SouthSeq.
Comment: ACMG codes: PM2

NM_001379029.1(CERT1):c.905C>A (p.Ser302Tyr)

Gene: CERT1 (ceramide transporter 1; minus strand). Cytogenetic location: 5q13.3.
Variant type: single nucleotide variant.
Coding change: c.905C>A on transcript NM_001379029.1 (MANE Select); coding-DNA position 905, C replaced by A.
Protein change: p.Ser302Tyr; replaces serine 302 with tyrosine.
Molecular consequence: missense variant.
Genome position (GRCh38, 1-based): chr5:75,411,036, G>T on the plus strand (C>A on the coding strand, the complement: CERT1 is on the minus strand). VCF-style: chr5-75411036-G-T. GRCh37 (hg19) VCF-style: chr5-74706861-G-T.
Other names: c.1289C>A, p.Ser430Tyr (NM_001130105.1); c.905C>A, p.Ser302Tyr (NM_001379002.1, NM_001379003.1, NM_001379004.1 and 2 more transcripts); short protein forms S302Y, S430Y.
Identifiers: ClinVar variation 1199412 (VCV001199412.1), dbSNP rs1417704749, ClinGen allele CA360148814.